The following is an entry in ClinVar:

ClinVar aggregate classification (germline): Benign (1 of 4 stars; one submission).

Conditions:
Auriculocondylar syndrome 2 (ARCND2A). Also called: AURICULOCONDYLAR SYNDROME 2A. Identifiers: Orphanet 137888, MedGen C3553404, MONDO:0013845, OMIM 614669.

Allele frequency attached by ClinVar (database versions not stated): gnomAD exomes 0.00052; gnomAD 0.00629 and 0.00670; TOPMed 0.00674; 1000 Genomes Project 0.00879; 1000 Genomes Project 30x 0.00937.

Submission:

Illumina Laboratory Services, Illumina
Classification: Benign for Auriculocondylar syndrome 2. Last evaluated: 2018-01-13. Review status: criteria provided, single submitter. Criteria: ICSL Variant Classification Criteria 13 December 2019. Collection method: clinical testing. Allele origin: germline.
Comment: This variant was observed in the ICSL laboratory as part of a predisposition screen in an ostensibly healthy population. It had not been previously curated by ICSL or reported in the Human Gene Mutation Database (HGMD: prior to June 1st, 2018), and was therefore a candidate for classification through an automated scoring system. Utilizing variant allele frequency, disease prevalence and penetrance estimates, and inheritance mode, an automated score was calculated to assess if this variant is too frequent to cause the disease. Based on the score and internal cut-off values, a variant classified as benign is not then subjected to further curation. The score for this variant resulted in a classification of benign for this disease.

NM_001377142.1(PLCB4):c.*374A>G

Gene: PLCB4 (phospholipase C beta 4; plus strand). Cytogenetic location: 20p12.2.
Variant type: single nucleotide variant.
Coding change: c.*374A>G on transcript NM_001377142.1 (MANE Select); 374 bases downstream of the stop codon, A replaced by G.
Molecular consequence: 3 prime UTR variant.
Genome position (GRCh38, 1-based): chr20:9,479,383, A>G. VCF-style: chr20-9479383-A-G. GRCh37 (hg19) VCF-style: chr20-9460030-A-G.
Other names: c.*374A>G (NM_000933.4, NM_001377134.2, NM_001377135.1 and 1 more transcripts); c.*394A>G (NM_001172646.2, NM_001377136.1, NM_182797.3).
Identifiers: ClinVar variation 339602 (VCV000339602.5), dbSNP rs138221578, ClinGen allele CA10653471.